The following is an entry in ClinVar:

NM_001111125.3(IQSEC2):c.2828C>G (p.Thr943Ser)

Gene: IQSEC2 (IQ motif and Sec7 domain ArfGEF 2; minus strand). Cytogenetic location: Xp11.22.
Variant type: single nucleotide variant.
Coding change: c.2828C>G on transcript NM_001111125.3 (MANE Select); coding-DNA position 2828, C replaced by G.
Protein change: p.Thr943Ser; replaces threonine 943 with serine.
Molecular consequence: missense variant.
Genome position (GRCh38, 1-based): chrX:53,243,393, G>C on the plus strand (C>G on the coding strand, the complement: IQSEC2 is on the minus strand). VCF-style: chrX-53243393-G-C. GRCh37 (hg19) VCF-style: chrX-53272575-G-C.
Other names: c.2828C>G, p.Thr943Ser (NM_001410736.1); c.2213C>G, p.Thr738Ser (NM_015075.2); short protein forms T943S, T738S.
Identifiers: ClinVar variation 2759554 (VCV002759554.3), dbSNP rs2519745675, ClinGen allele CA413153798.

ClinVar aggregate classification (germline): Uncertain significance (1 of 4 stars; one submission).

Conditions:
Intellectual developmental disorder, X-linked 1. Also called: MENTAL RETARDATION, X-LINKED 18; MENTAL RETARDATION, X-LINKED 78; Atkin Flaitz Patil Smith syndrome; Intellectual disability, X-linked 1. Identifiers: Orphanet 777, MedGen C2931498, MONDO:0010656, OMIM 309530.

Allele frequency attached by ClinVar (database versions not stated): gnomAD exomes below 0.00001.
gnomAD v4.1: 2 of 1,167,977 alleles (0.00017%); highest among the groups gnomAD compares: South Asian, 0.0038%; no homozygotes.

Submission:

Labcorp Genetics (formerly Invitae), Labcorp
Classification: Uncertain significance for Intellectual developmental disorder, X-linked 1. Last evaluated: 2023-09-10. Review status: criteria provided, single submitter. Criteria: Invitae Variant Classification Sherloc (09022015). Collection method: clinical testing. Allele origin: germline.
Comment: This variant is not present in population databases (gnomAD no frequency). This variant has not been reported in the literature in individuals affected with IQSEC2-related conditions. Advanced modeling of protein sequence and biophysical properties (such as structural, functional, and spatial information, amino acid conservation, physicochemical variation, residue mobility, and thermodynamic stability) performed at Invitae indicates that this missense variant is not expected to disrupt IQSEC2 protein function. In summary, the available evidence is currently insufficient to determine the role of this variant in disease. Therefore, it has been classified as a Variant of Uncertain Significance. This sequence change replaces threonine, which is neutral and polar, with serine, which is neutral and polar, at codon 943 of the IQSEC2 protein (p.Thr943Ser).